The following is an entry in ClinVar:

NM_021120.4(DLG3):c.2101C>T (p.Leu701Phe)

Gene: DLG3 (discs large MAGUK scaffold protein 3; plus strand). Cytogenetic location: Xq13.1.
Variant type: single nucleotide variant.
Coding change: c.2101C>T on transcript NM_021120.4 (MANE Select); coding-DNA position 2101, C replaced by T.
Protein change: p.Leu701Phe; replaces leucine 701 with phenylalanine.
Molecular consequence: missense variant.
Genome position (GRCh38, 1-based): chrX:70,500,005, C>T. VCF-style: chrX-70500005-C-T. GRCh37 (hg19) VCF-style: chrX-69719855-C-T.
Other names: c.748C>T, p.Leu250Phe (NM_001166278.2); c.1186C>T, p.Leu396Phe (NM_020730.3); short protein forms L250F, L396F, L701F.
Identifiers: ClinVar variation 3770152 (VCV003770152.1).

ClinVar aggregate classification (germline): Uncertain significance (1 of 4 stars; one submission).

Conditions:
Intellectual developmental disorder, X-linked 90. Also called: DLG3-Related X-Linked Nonsyndromic Mental Retardation; Intellectual disability, X-linked 90. Identifiers: Orphanet 777, MedGen C3275443, MONDO:0010452, OMIM 300850.

Submission:

Equipe Genetique des Anomalies du Developpement, Université de Bourgogne
Classification: Uncertain significance for Intellectual developmental disorder, X-linked 90. Last evaluated: 2025-01-31. Review status: criteria provided, single submitter. Criteria: ACMG Guidelines, 2015. Collection method: curation. Allele origin: germline. Affected: yes.
Comment: Literature review. This variant is a missense which replaces a leucine with a phenylalanine at position 701. Hemizygous pathogenic variants in DLG3 are reported in an autosomal dominant intellectual disability (OMIM #300850). This variant is not present in gnomAD (v4.1.0). It has not been reported in ClinVar and was reported in the literature (PMID:35873028). In silico prediction scores are inconclusive. Based on these evidences, the variant was classified as of uncertain significance.

Literature cited by the submitters: PubMed 35873028.